The following is an entry in ClinVar:

ClinVar aggregate classification (germline): Conflicting classifications of pathogenicity. Review status: criteria provided, conflicting classifications (1 of 4 stars). 3 submissions from 3 submitters: Uncertain significance (2); Benign (1). Last evaluated 2024-11-06.

Conditions:
COL11A1-related disorder. Also called: COL11A1-related condition; COL11A1-related disorders.

Allele frequency attached by ClinVar (database versions not stated): gnomAD 0.00001; gnomAD exomes 0.00001 and 0.00003; ExAC 0.00002; 1000 Genomes Project 30x 0.00016; 1000 Genomes Project 0.00020.
gnomAD v4.1: 22 of 1,613,440 alleles (0.0014%); highest among the groups gnomAD compares: South Asian, 0.022%; no homozygotes.

Submissions (3):

Labcorp Genetics (formerly Invitae), Labcorp
Classification: Benign. Last evaluated: 2024-11-06. Review status: criteria provided, single submitter. Criteria: Invitae Variant Classification Sherloc (09022015). Collection method: clinical testing. Allele origin: germline.

PreventionGenetics, part of Exact Sciences
Classification: Uncertain significance for COL11A1-related condition. Last evaluated: 2023-01-21. Review status: criteria provided, single submitter. Criteria: ACMG Guidelines, 2015. Collection method: clinical testing. Allele origin: germline.
Comment: The COL11A1 c.1043A>T variant is predicted to result in the amino acid substitution p.Tyr348Phe. To our knowledge, this variant has not been reported in the literature. This variant is reported in 0.020% of alleles in individuals of South Asian descent in gnomAD. At this time, the clinical significance of this variant is uncertain due to the absence of conclusive functional and genetic evidence.

GeneDx
Classification: Uncertain significance. Last evaluated: 2021-11-22. Review status: criteria provided, single submitter. Criteria: GeneDx Variant Classification Process June 2021. Collection method: clinical testing. Allele origin: germline. Affected: yes.
Comment: In silico analysis, which includes protein predictors and evolutionary conservation, supports that this variant does not alter protein structure/function; Has not been previously published as pathogenic or benign to our knowledge

NM_001854.4(COL11A1):c.1043A>T (p.Tyr348Phe)

Gene: COL11A1 (collagen type XI alpha 1 chain; minus strand). Cytogenetic location: 1p21.1.
Variant type: single nucleotide variant.
Coding change: c.1043A>T on transcript NM_001854.4 (MANE Select); coding-DNA position 1043, A replaced by T.
Protein change: p.Tyr348Phe; replaces tyrosine 348 with phenylalanine.
Molecular consequence: missense variant. On other transcripts: non-coding transcript variant (1), intron variant (1).
Genome position (GRCh38, 1-based): chr1:103,022,944, T>A on the plus strand (A>T on the coding strand, the complement: COL11A1 is on the minus strand). VCF-style: chr1-103022944-T-A. GRCh37 (hg19) VCF-style: chr1-103488500-T-A.
Other names: c.926A>T, p.Tyr309Phe (NM_001190709.2); c.1079A>T, p.Tyr360Phe (NM_080629.3); c.898-1175A>T (NM_080630.4); short protein forms Y309F, Y348F, Y360F.
Identifiers: ClinVar variation 1200169 (VCV001200169.8), dbSNP rs539811607, ClinGen allele CA975127.